The following is an entry in ClinVar:

NM_001142864.4(PIEZO1):c.2293G>C (p.Val765Leu)

Genes: HSALR1 (HSP90AB1 associated lncRNA 1; plus strand), PIEZO1 (piezo type mechanosensitive ion channel component 1 (Er blood group); minus strand). Cytogenetic location: 16q24.3.
Variant type: single nucleotide variant.
Coding change: c.2293G>C on transcript NM_001142864.4 (MANE Select); coding-DNA position 2293, G replaced by C.
Protein change: p.Val765Leu; replaces valine 765 with leucine.
Molecular consequence: missense variant.
Genome position (GRCh38, 1-based): chr16:88,733,942, C>G on the plus strand (G>C on the coding strand, the complement: PIEZO1 is on the minus strand). VCF-style: chr16-88733942-C-G. GRCh37 (hg19) VCF-style: chr16-88800350-C-G.
Other names: c.835G>C, p.Val279Leu (NM_014745.1); short protein forms V765L, V279L.
Identifiers: ClinVar variation 2851371 (VCV002851371.3), dbSNP rs769452959, ClinGen allele CA397112674.

ClinVar aggregate classification (germline): Uncertain significance (1 of 4 stars; one submission).

gnomAD v4.1: 1 of 1,542,680 alleles (0.000065%); highest among the groups gnomAD compares: African/African-American, 0.0014%; no homozygotes.

Submission:

Labcorp Genetics (formerly Invitae), Labcorp
Classification: Uncertain significance. Last evaluated: 2023-04-05. Review status: criteria provided, single submitter. Criteria: Invitae Variant Classification Sherloc (09022015). Collection method: clinical testing. Allele origin: germline.
Comment: Advanced modeling of protein sequence and biophysical properties (such as structural, functional, and spatial information, amino acid conservation, physicochemical variation, residue mobility, and thermodynamic stability) performed at Invitae indicates that this missense variant is not expected to disrupt PIEZO1 protein function. In summary, the available evidence is currently insufficient to determine the role of this variant in disease. Therefore, it has been classified as a Variant of Uncertain Significance. This variant has not been reported in the literature in individuals affected with PIEZO1-related conditions. This variant is not present in population databases (gnomAD no frequency). This sequence change replaces valine, which is neutral and non-polar, with leucine, which is neutral and non-polar, at codon 765 of the PIEZO1 protein (p.Val765Leu).